The following is an entry in ClinVar:

ClinVar aggregate classification (germline): Conflicting classifications of pathogenicity. Review status: criteria provided, conflicting classifications (1 of 4 stars). 3 submissions from 3 submitters: Uncertain significance (2); Likely benign (1). Last evaluated 2025-08-31.

Conditions:
Polycystic kidney disease 3 with or without polycystic liver disease. Also called: Polycystic kidney disease 3; Polycystic Kidney and/or Polycystic Liver Disease 3; POLYCYSTIC KIDNEY DISEASE, ADULT, TYPE III. Identifiers: MedGen C3887964, MONDO:0010916, OMIM 600666.
Inborn genetic diseases. Identifiers: MedGen C0950123, MeSH D030342.

Allele frequency attached by ClinVar (database versions not stated): TOPMed 0.00005; gnomAD 0.00007.
gnomAD v4.1: 18 of 1,613,512 alleles (0.0011%); highest among the groups gnomAD compares: Admixed American, 0.022%; no homozygotes.

Submissions (3):

Ambry Genetics
Classification: Likely benign for Inborn genetic diseases. Last evaluated: 2025-08-31. Review status: criteria provided, single submitter. Criteria: Ambry Variant Classification Scheme 2023. Collection method: clinical testing. Allele origin: germline.

Labcorp Genetics (formerly Invitae), Labcorp
Classification: Uncertain significance. Last evaluated: 2024-11-27. Review status: criteria provided, single submitter. Criteria: Invitae Variant Classification Sherloc (09022015). Collection method: clinical testing. Allele origin: germline.
Comment: This sequence change replaces alanine, which is neutral and non-polar, with valine, which is neutral and non-polar, at codon 8 of the GANAB protein (p.Ala8Val). This variant is present in population databases (rs751022869, gnomAD 0.009%). This variant has not been reported in the literature in individuals affected with GANAB-related conditions. ClinVar contains an entry for this variant (Variation ID: 2082159). An algorithm developed to predict the effect of missense changes on protein structure and function outputs the following: PolyPhen-2: "Not Available". The valine amino acid residue is found in multiple mammalian species, which suggests that this missense change does not adversely affect protein function. In summary, the available evidence is currently insufficient to determine the role of this variant in disease. Therefore, it has been classified as a Variant of Uncertain Significance.

Fulgent Genetics
Classification: Uncertain significance for Polycystic kidney disease 3 with or without polycystic liver disease. Last evaluated: 2024-04-09. Review status: criteria provided, single submitter. Criteria: ACMG Guidelines, 2015. Collection method: clinical testing. Allele origin: germline.

NM_198334.3(GANAB):c.23C>T (p.Ala8Val)

Gene: GANAB (glucosidase II alpha subunit; minus strand). Cytogenetic location: 11q12.3.
Variant type: single nucleotide variant.
Coding change: c.23C>T on transcript NM_198334.3 (MANE Select); coding-DNA position 23, C replaced by T.
Protein change: p.Ala8Val; replaces alanine 8 with valine.
Molecular consequence: missense variant. On other transcripts: 5 prime UTR variant (3).
Genome position (GRCh38, 1-based): chr11:62,646,577, G>A on the plus strand (C>T on the coding strand, the complement: GANAB is on the minus strand). VCF-style: chr11-62646577-G-A. GRCh37 (hg19) VCF-style: chr11-62414049-G-A.
Other names: c.23C>T, p.Ala8Val (NM_001278192.2, NM_001278193.2, NM_198335.4); c.-160C>T (NM_001278194.2); c.-265C>T (NM_001329223.2); c.-754C>T (NM_001329225.2); c.23C>T (NM_198335.2); short protein forms A8V.
Identifiers: ClinVar variation 2082159 (VCV002082159.6), dbSNP rs751022869, ClinGen allele CA6051260.